The following is an entry in ClinVar:

ClinVar aggregate classification (germline): Uncertain significance. Review status: criteria provided, multiple submitters, no conflicts (2 of 4 stars). 3 submissions from 3 submitters: Uncertain significance (3). Last evaluated 2025-12-22.

Conditions:
Hereditary cancer-predisposing syndrome. Also called: Neoplastic Syndromes, Hereditary; Hereditary neoplastic syndrome; Tumor predisposition; Hereditary Cancer Syndrome. Identifiers: Orphanet 140162, MedGen C0027672, MeSH D009386, MONDO:0015356.
Ataxia-telangiectasia syndrome (AT). Also called: Ataxia telangiectasia (A-T); Cerebello-oculocutaneous telangiectasia; Immunodeficiency with ataxia telangiectasia; LOUIS-BAR SYNDROME; AT, COMPLEMENTATION GROUP C; ATAXIA-TELANGIECTASIA, FRESNO VARIANT. Identifiers: Orphanet 100, MedGen C0004135, MONDO:0008840, OMIM 208900.

Allele frequency attached by ClinVar (database versions not stated): gnomAD exomes below 0.00001.
gnomAD v4.1: 3 of 1,613,968 alleles (0.00019%); highest among the groups gnomAD compares: East Asian, 0.0067%; no homozygotes.

Submissions (3):

Ambry Genetics
Classification: Uncertain significance for Hereditary cancer-predisposing syndrome. Last evaluated: 2025-12-22. Review status: criteria provided, single submitter. Criteria: Ambry Variant Classification Scheme 2023. Collection method: clinical testing. Allele origin: germline.
Comment: The p.C2337Y variant (also known as c.7010G>A), located in coding exon 47 of the ATM gene, results from a G to A substitution at nucleotide position 7010. The cysteine at codon 2337 is replaced by tyrosine, an amino acid with highly dissimilar properties. In an assay testing ATM function, this variant showed a functionally abnormal result (Lee KS et al. Cell, 2025 Sep;188:5081-5099.e27). This amino acid position is highly conserved in available vertebrate species. In addition, this alteration is predicted to be deleterious by in silico analysis. Based on the available evidence, the clinical significance of this variant remains unclear.

Labcorp Genetics (formerly Invitae), Labcorp
Classification: Uncertain significance for Ataxia-telangiectasia syndrome. Last evaluated: 2024-05-22. Review status: criteria provided, single submitter. Criteria: Invitae Variant Classification Sherloc (09022015). Collection method: clinical testing. Allele origin: germline.
Comment: This sequence change replaces cysteine, which is neutral and slightly polar, with tyrosine, which is neutral and polar, at codon 2337 of the ATM protein (p.Cys2337Tyr). This variant is not present in population databases (gnomAD no frequency). This variant has not been reported in the literature in individuals affected with ATM-related conditions. ClinVar contains an entry for this variant (Variation ID: 230433). An algorithm developed to predict the effect of missense changes on protein structure and function (PolyPhen-2) suggests that this variant is likely to be disruptive. In summary, the available evidence is currently insufficient to determine the role of this variant in disease. Therefore, it has been classified as a Variant of Uncertain Significance.

GeneDx
Classification: Uncertain significance. Last evaluated: 2023-07-13. Review status: criteria provided, single submitter. Criteria: GeneDx Variant Classification Process June 2021. Collection method: clinical testing. Allele origin: germline. Affected: yes.
Comment: Not observed at significant frequency in large population cohorts (gnomAD); In silico analysis supports that this missense variant has a deleterious effect on protein structure/function; Observed in a cohort of individuals with breast cancer and in one control in published literature (Harvey et al., 2018; Momozawa et al., 2018); This variant is associated with the following publications: (PMID: 30287823, 28821472, 23532176)

Literature cited by the submitters: PubMed 40580951 (cited by Ambry Genetics).

NM_000051.4(ATM):c.7010G>A (p.Cys2337Tyr)

Genes: ATM (ATM serine/threonine kinase; plus strand), C11orf65 (chromosome 11 open reading frame 65; minus strand). Cytogenetic location: 11q22.3.
Variant type: single nucleotide variant.
Coding change: c.7010G>A on transcript NM_000051.4 (MANE Select); coding-DNA position 7010, G replaced by A.
Protein change: p.Cys2337Tyr; replaces cysteine 2337 with tyrosine.
Molecular consequence: missense variant. On other transcripts: intron variant (2).
Genome position (GRCh38, 1-based): chr11:108,327,679, G>A. VCF-style: chr11-108327679-G-A. GRCh37 (hg19) VCF-style: chr11-108198406-G-A.
Other names: c.7010G>A, p.Cys2337Tyr (NM_001351834.2); c.641-18608C>T (NM_001330368.2); c.*38+7541C>T (NM_001351110.2); short protein forms C2337Y.
Identifiers: ClinVar variation 230433 (VCV000230433.17), dbSNP rs876658563, ClinGen allele CA10579246.
Genomic context (GRCh38, chr11:108,327,679, plus strand): 5'-TTTAAGATTTTGCCTTTCTTATACAGAACAATCCCAGCCTAAAACTTACATACACAGAAT[G>A]TCTGAGGGTTTGTGGCAACTGGTTAGCAGAAACGTGCTTAGAAAATCCTGCGGTCATCAT-3'
Protein context (NP_000042.3, residues 2327-2347): NPSLKLTYTE[Cys2337Tyr]LRVCGNWLAE